The following is an entry in ClinVar:

ClinVar aggregate classification (germline): Uncertain significance (1 of 4 stars; one submission).

Submission:

Labcorp Genetics (formerly Invitae), Labcorp
Classification: Uncertain significance. Last evaluated: 2022-01-15. Review status: criteria provided, single submitter. Criteria: Invitae Variant Classification Sherloc (09022015). Collection method: clinical testing. Allele origin: germline.
Comment: In summary, the available evidence is currently insufficient to determine the role of this variant in disease. Therefore, it has been classified as a Variant of Uncertain Significance. Algorithms developed to predict the effect of sequence changes on RNA splicing suggest that this variant may create or strengthen a splice site. Algorithms developed to predict the effect of missense changes on protein structure and function are either unavailable or do not agree on the potential impact of this missense change (SIFT: "Deleterious"; PolyPhen-2: "Possibly Damaging"; Align-GVGD: "Class C0"). This variant has not been reported in the literature in individuals affected with ADGRV1-related conditions. This variant is not present in population databases (gnomAD no frequency). This sequence change replaces asparagine, which is neutral and polar, with aspartic acid, which is acidic and polar, at codon 2521 of the ADGRV1 protein (p.Asn2521Asp).

NM_032119.4(ADGRV1):c.7561A>G (p.Asn2521Asp)

Gene: ADGRV1 (adhesion G protein-coupled receptor V1; plus strand). Cytogenetic location: 5q14.3.
Variant type: single nucleotide variant.
Coding change: c.7561A>G on transcript NM_032119.4 (MANE Select); coding-DNA position 7561, A replaced by G.
Protein change: p.Asn2521Asp; replaces asparagine 2521 with aspartic acid.
Molecular consequence: missense variant. On other transcripts: non-coding transcript variant (1).
Genome position (GRCh38, 1-based): chr5:90,694,317, A>G. VCF-style: chr5-90694317-A-G. GRCh37 (hg19) VCF-style: chr5-89990134-A-G.
Other names: short protein forms N2521D.
Identifiers: ClinVar variation 1508166 (VCV001508166.6), dbSNP rs2149641814, ClinGen allele CA360379401.